The following is an entry in ClinVar:

ClinVar aggregate classification (germline): Uncertain significance. Review status: criteria provided, multiple submitters, no conflicts (2 of 4 stars). 3 submissions from 3 submitters: Uncertain significance (3). Last evaluated 2026-09-10.

Conditions:
Hereditary cancer-predisposing syndrome. Also called: Tumor predisposition; Hereditary neoplastic syndrome; Neoplastic Syndromes, Hereditary; Hereditary Cancer Syndrome. Identifiers: Orphanet 140162, MedGen C0027672, MeSH D009386, MONDO:0015356.
Tuberous sclerosis 1 (TSC1). Identifiers: Orphanet 805, MedGen C1854465, MONDO:0008612, OMIM 191100.
TSC1-related disorder. Also called: TSC1-related condition.

Allele frequency attached by ClinVar (database versions not stated): gnomAD exomes below 0.00001; ExAC 0.00001.
gnomAD v4.1: 2 of 1,613,548 alleles (0.00012%); highest among the groups gnomAD compares: Non-Finnish European, 0.00017%; no homozygotes.

Submissions (3):

PreventionGenetics, part of Exact Sciences
Classification: Uncertain significance for TSC1-related condition. Last evaluated: 2026-09-10. Review status: criteria provided, single submitter. Criteria: ACMG Guidelines, 2015. Collection method: clinical testing. Allele origin: germline.
Comment: The TSC1 c.107A>T variant is predicted to result in the amino acid substitution p.Asp36Val. To our knowledge, this variant has not been reported in the literature. Of note, this nucleotide change is located at the first base of exon 4 and is predicted to alter splicing based on available splicing prediction programs (Alamut Visual Plus v1.13). However, the use of computer prediction programs is not equivalent to functional evidence. This variant is reported in 0.0062% of alleles in individuals of African descent in gnomAD. At this time, the clinical significance of this variant is uncertain due to the absence of conclusive functional and genetic evidence.

Labcorp Genetics (formerly Invitae), Labcorp
Classification: Uncertain significance for Tuberous sclerosis 1. Last evaluated: 2024-05-21. Review status: criteria provided, single submitter. Criteria: Invitae Variant Classification Sherloc (09022015). Collection method: clinical testing. Allele origin: germline.
Comment: This sequence change replaces aspartic acid, which is acidic and polar, with valine, which is neutral and non-polar, at codon 36 of the TSC1 protein (p.Asp36Val). This variant is not present in population databases (gnomAD no frequency). This variant has not been reported in the literature in individuals affected with TSC1-related conditions. ClinVar contains an entry for this variant (Variation ID: 1043633). An algorithm developed to predict the effect of missense changes on protein structure and function (PolyPhen-2) suggests that this variant is likely to be tolerated. In summary, the available evidence is currently insufficient to determine the role of this variant in disease. Therefore, it has been classified as a Variant of Uncertain Significance.

Ambry Genetics
Classification: Uncertain significance for Hereditary cancer-predisposing syndrome. Last evaluated: 2023-07-17. Review status: criteria provided, single submitter. Criteria: Ambry Variant Classification Scheme 2023. Collection method: clinical testing. Allele origin: germline.
Comment: The p.D36V variant (also known as c.107A>T) is located in coding exon 2 of the TSC1 gene. The aspartic acid at codon 36 is replaced by valine, an amino acid with highly dissimilar properties. This change occurs in the first base pair of coding exon 2. This amino acid position is conserved. In addition, this alteration is predicted to be deleterious by in silico analysis. Since supporting evidence is limited at this time, the clinical significance of this alteration remains unclear.

NM_000368.5(TSC1):c.107A>T (p.Asp36Val)

Gene: TSC1 (TSC complex subunit 1; minus strand). Cytogenetic location: 9q34.13.
Variant type: single nucleotide variant.
Coding change: c.107A>T on transcript NM_000368.5 (MANE Select); coding-DNA position 107, A replaced by T.
Protein change: p.Asp36Val; replaces aspartic acid 36 with valine.
Molecular consequence: missense variant. On other transcripts: intron variant (1).
Genome position (GRCh38, 1-based): chr9:132,927,304, T>A on the plus strand (A>T on the coding strand, the complement: TSC1 is on the minus strand). VCF-style: chr9-132927304-T-A. GRCh37 (hg19) VCF-style: chr9-135802691-T-A.
Other names: c.107A>T (NM_000368.4); c.107A>T, p.Asp36Val (NM_001162426.2, NM_001162427.2); c.-154+1463A>T (NM_001362177.2); short protein forms D36V.
Identifiers: ClinVar variation 1043633 (VCV001043633.9), dbSNP rs148468036, ClinGen allele CA027009.
Genomic context (GRCh38, chr9:132,927,304, plus strand): 5'-GGCTGAGAGCTGGTTTCCAGGTAATAATCCACCAAGGTGTTTACAAGCATAGGGCCACGG[T>A]CTAAATCAAGAAAAGGGCAATGGATGATACTTATTCCCCTTAACATCCTAAATTTACCTT-3'
Protein context (NP_000359.1, residues 26-46): TAVFKENLNS[Asp36Val]RGPMLVNTLV